The following is an entry in ClinVar:

ClinVar aggregate classification (germline): Likely pathogenic (1 of 4 stars; one submission).

Submission:

Labcorp Genetics (formerly Invitae), Labcorp
Classification: Likely pathogenic. Last evaluated: 2023-10-25. Review status: criteria provided, single submitter. Criteria: Invitae Variant Classification Sherloc (09022015). Collection method: clinical testing. Allele origin: germline.
Comment: This sequence change affects a donor splice site in intron 8 of the ADAM9 gene. It is expected to disrupt RNA splicing. Variants that disrupt the donor or acceptor splice site typically lead to a loss of protein function (PMID: 16199547), and loss-of-function variants in ADAM9 are known to be pathogenic (PMID: 19409519). This variant is not present in population databases (gnomAD no frequency). This variant has not been reported in the literature in individuals affected with ADAM9-related conditions. ClinVar contains an entry for this variant (Variation ID: 2034457). Algorithms developed to predict the effect of sequence changes on RNA splicing suggest that this variant may disrupt the consensus splice site. In summary, the currently available evidence indicates that the variant is pathogenic, but additional data are needed to prove that conclusively. Therefore, this variant has been classified as Likely Pathogenic.

Literature cited by the submitters: PubMed 16199547; PubMed 19409519.

NM_003816.3(ADAM9):c.744+1G>A

Gene: ADAM9 (ADAM metallopeptidase domain 9; plus strand). Cytogenetic location: 8p11.22.
Variant type: single nucleotide variant.
Coding change: c.744+1G>A on transcript NM_003816.3 (MANE Select); the canonical splice donor site of the intron after coding-DNA position 744, G replaced by A.
Molecular consequence: splice donor variant.
Genome position (GRCh38, 1-based): chr8:39,021,715, G>A. VCF-style: chr8-39021715-G-A. GRCh37 (hg19) VCF-style: chr8-38879234-G-A.
Identifiers: ClinVar variation 2034457 (VCV002034457.4), dbSNP rs2491995210, ClinGen allele CA370753977.